The following is an entry in ClinVar:

ClinVar aggregate classification (germline): Uncertain significance (1 of 4 stars; one submission).

Conditions:
Renal cell carcinoma. Identifiers: Orphanet 217071, MedGen C0007134, MeSH D002292, MONDO:0005086, HP:0005584.

Submission:

Labcorp Genetics (formerly Invitae), Labcorp
Classification: Uncertain significance for Renal cell carcinoma. Last evaluated: 2025-10-30. Review status: criteria provided, single submitter. Criteria: Invitae Variant Classification Sherloc (09022015). Collection method: clinical testing. Allele origin: germline.
Comment: This sequence change replaces threonine, which is neutral and polar, with serine, which is neutral and polar, at codon 67 of the MET protein (p.Thr67Ser). This variant is not present in population databases (gnomAD no frequency). This variant has not been reported in the literature in individuals affected with MET-related conditions. Invitae Evidence Modeling of protein sequence and biophysical properties (such as structural, functional, and spatial information, amino acid conservation, physicochemical variation, residue mobility, and thermodynamic stability) indicates that this missense variant is not expected to disrupt MET protein function with a negative predictive value of 80%. In summary, the available evidence is currently insufficient to determine the role of this variant in disease. Therefore, it has been classified as a Variant of Uncertain Significance.

NM_000245.4(MET):c.200C>G (p.Thr67Ser)

Gene: MET (MET proto-oncogene, receptor tyrosine kinase; plus strand). Cytogenetic location: 7q31.2.
Variant type: single nucleotide variant.
Coding change: c.200C>G on transcript NM_000245.4 (MANE Select); coding-DNA position 200, C replaced by G.
Protein change: p.Thr67Ser; replaces threonine 67 with serine.
Molecular consequence: missense variant. On other transcripts: intron variant (1).
Genome position (GRCh38, 1-based): chr7:116,699,284, C>G. VCF-style: chr7-116699284-C-G. GRCh37 (hg19) VCF-style: chr7-116339338-C-G.
Other names: c.200C>G, p.Thr67Ser (NM_001127500.3, NM_001324401.3); c.-91+26707C>G (NM_001324402.2); short protein forms T67S.
Identifiers: ClinVar variation 4746028 (VCV004746028.1).